The following is an entry in ClinVar:

NM_030760.5(S1PR5):c.423G>A (p.Gly141=)

Gene: S1PR5 (sphingosine-1-phosphate receptor 5; minus strand). Cytogenetic location: 19p13.2.
Variant type: single nucleotide variant.
Coding change: c.423G>A on transcript NM_030760.5 (MANE Select); coding-DNA position 423, G replaced by A.
Protein change: p.Gly141=; no amino-acid change (glycine 141 retained).
Molecular consequence: synonymous variant.
Genome position (GRCh38, 1-based): chr19:10,514,589, C>T on the plus strand (G>A on the coding strand, the complement: S1PR5 is on the minus strand). VCF-style: chr19-10514589-C-T. GRCh37 (hg19) VCF-style: chr19-10625265-C-T.
Other names: c.423G>A, p.Gly141= (NM_001166215.2).
Identifiers: ClinVar variation 788918 (VCV000788918.28), dbSNP rs35940589, ClinGen allele CA9195894.

ClinVar aggregate classification (germline): Benign/Likely benign. Review status: criteria provided, multiple submitters, no conflicts (2 of 4 stars). 3 submissions from 3 submitters: Benign (2); Likely benign (1). Last evaluated 2022-05-01.

Allele frequency attached by ClinVar (database versions not stated): 1000 Genomes Project 30x 0.00187; 1000 Genomes Project 0.00200; ESP Exome Variant Server 0.00317; TOPMed 0.00457; gnomAD 0.00490 and 0.00502; gnomAD exomes 0.00492 and 0.00715; ExAC 0.00652.
gnomAD v4.1: 10,898 of 1,576,570 alleles (0.69%); highest among the groups gnomAD compares: Non-Finnish European, 0.79%; 48 homozygotes.

Submissions (3):

CeGaT Center for Human Genetics Tuebingen
Classification: Likely benign. Last evaluated: 2022-05-01. Review status: criteria provided, single submitter. Criteria: CeGaT Center For Human Genetics Tuebingen Variant Classification Criteria Version 2. Collection method: clinical testing. Allele origin: germline. Affected: yes. Observed: 1 variant allele.
Comment: S1PR5: BP4, BP7

Labcorp Genetics (formerly Invitae), Labcorp
Classification: Benign. Last evaluated: 2017-09-07. Review status: criteria provided, single submitter. Criteria: Invitae Variant Classification Sherloc (09022015). Collection method: clinical testing. Allele origin: germline.

Breakthrough Genomics
Classification: Benign. Review status: criteria provided, single submitter. Criteria: ACMG Guidelines, 2015. Collection method: not provided. Allele origin: germline. Inheritance: Unknown mechanism. Affected: yes.